The following is an entry in ClinVar:

ClinVar aggregate classification (germline): Conflicting classifications of pathogenicity. Review status: criteria provided, conflicting classifications (1 of 4 stars). 4 submissions from 4 submitters: Uncertain significance (3); Likely benign (1). Last evaluated 2025-11-08.

Conditions:
Long QT syndrome (LQTS). Identifiers: MedGen C0023976, MeSH D008133, MONDO:0002442. Disease mechanism: loss of function. Inheritance: Various modes of inheritance.
ANK2-related disorder. Also called: ANK2-related condition.
Cardiovascular phenotype. Identifiers: MedGen CN230736.

Allele frequency attached by ClinVar (database versions not stated): ExAC 0.00002; gnomAD exomes 0.00002; TOPMed 0.00003; 1000 Genomes Project 30x 0.00016; 1000 Genomes Project 0.00020.
gnomAD v4.1: 55 of 1,614,048 alleles (0.0034%); highest among the groups gnomAD compares: Admixed American, 0.0083%; no homozygotes.

Submissions (4):

Labcorp Genetics (formerly Invitae), Labcorp
Classification: Likely benign for Long QT syndrome. Last evaluated: 2025-11-08. Review status: criteria provided, single submitter. Criteria: Invitae Variant Classification Sherloc (09022015). Collection method: clinical testing. Allele origin: germline.

PreventionGenetics, part of Exact Sciences
Classification: Uncertain significance for ANK2-related condition. Last evaluated: 2024-11-27. Review status: criteria provided, single submitter. Criteria: ACMG Guidelines, 2015. Collection method: clinical testing. Allele origin: germline.
Comment: The ANK2 c.7529T>G variant is predicted to result in the amino acid substitution p.Leu2510Arg. To our knowledge, this variant has not been reported in the literature. This variant is reported in 0.0056% of alleles in individuals of Latino descent in gnomAD. At this time, the clinical significance of this variant is uncertain due to the absence of conclusive functional and genetic evidence.

Ambry Genetics
Classification: Uncertain significance for Cardiovascular phenotype. Last evaluated: 2024-11-11. Review status: criteria provided, single submitter. Criteria: Ambry Variant Classification Scheme 2023. Collection method: clinical testing. Allele origin: germline.

GeneDx
Classification: Uncertain significance. Last evaluated: 2019-10-31. Review status: criteria provided, single submitter. Criteria: GeneDx Variant Classification Process June 2021. Collection method: clinical testing. Allele origin: germline. Affected: yes.
Comment: Has not been previously published as pathogenic or benign to our knowledge; Not observed at a significant frequency in large population cohorts (Lek et al., 2016); In silico analysis, which includes protein predictors and evolutionary conservation, supports that this variant does not alter protein structure/function

NM_001148.6(ANK2):c.7529T>G (p.Leu2510Arg)

Genes: ANK2 (ankyrin 2; plus strand), LOC126807137 (CDK7 strongly-dependent group 2 enhancer GRCh37_chr4:114276560-114277759; plus strand). Cytogenetic location: 4q26.
Variant type: single nucleotide variant.
Coding change: c.7529T>G on transcript NM_001148.6 (MANE Select); coding-DNA position 7529, T replaced by G.
Protein change: p.Leu2510Arg; replaces leucine 2510 with arginine.
Molecular consequence: missense variant. On other transcripts: intron variant (68).
Genome position (GRCh38, 1-based): chr4:113,356,147, T>G. VCF-style: chr4-113356147-T-G. GRCh37 (hg19) VCF-style: chr4-114277303-T-G.
Other names: c.4412-4676T>G (NM_001386186.2, NM_001386148.2); c.4214-4676T>G (NM_001354269.3); c.4292-4676T>G (NM_001386187.2); c.4253-4676T>G (NM_001386147.1); c.4271-4676T>G (NM_001386160.1); c.4376-4676T>G (NM_001354254.2); c.4397-4676T>G (NM_001354239.2, NM_001354252.2); c.4298-4676T>G (NM_001354272.2); and 35 more; short protein forms L1310R, L2432R, L2510R, L2549R, L2557R.
Identifiers: ClinVar variation 1024386 (VCV001024386.10), dbSNP rs557294831, ClinGen allele CA3051608.